The following is an entry in ClinVar:

NM_001330078.2(NRXN1):c.320C>G (p.Thr107Arg)

Gene: NRXN1 (neurexin 1; minus strand). Cytogenetic location: 2p16.3.
Variant type: single nucleotide variant.
Coding change: c.320C>G on transcript NM_001330078.2 (MANE Select); coding-DNA position 320, C replaced by G.
Protein change: p.Thr107Arg; replaces threonine 107 with arginine.
Molecular consequence: missense variant.
Genome position (GRCh38, 1-based): chr2:51,027,954, G>C on the plus strand (C>G on the coding strand, the complement: NRXN1 is on the minus strand). VCF-style: chr2-51027954-G-C. GRCh37 (hg19) VCF-style: chr2-51255092-G-C.
Other names: c.320C>G, p.Thr107Arg (NM_001135659.3, NM_001330077.2, NM_001330079.2 and 15 more transcripts); short protein forms T107R.
Identifiers: ClinVar variation 2413443 (VCV002413443.6), dbSNP rs368549770, ClinGen allele CA1655517.

ClinVar aggregate classification (germline): Uncertain significance (1 of 4 stars; one submission).

Conditions:
Pitt-Hopkins-like syndrome 2 (PTHSL2). Identifiers: Orphanet 221150, Orphanet 600663, MedGen C3280479, MONDO:0013690, OMIM 614325.

gnomAD v4.1: 5 of 1,603,048 alleles (0.00031%); highest among the groups gnomAD compares: East Asian, 0.0067%; no homozygotes.

Submission:

Labcorp Genetics (formerly Invitae), Labcorp
Classification: Uncertain significance for Pitt-Hopkins-like syndrome 2. Last evaluated: 2022-08-23. Review status: criteria provided, single submitter. Criteria: Invitae Variant Classification Sherloc (09022015). Collection method: clinical testing. Allele origin: germline.
Comment: In summary, the available evidence is currently insufficient to determine the role of this variant in disease. Therefore, it has been classified as a Variant of Uncertain Significance. Algorithms developed to predict the effect of missense changes on protein structure and function are either unavailable or do not agree on the potential impact of this missense change (SIFT: "Deleterious"; PolyPhen-2: "Benign"; Align-GVGD: "Class C0"). This variant has not been reported in the literature in individuals affected with NRXN1-related conditions. This variant is present in population databases (rs368549770, gnomAD 0.006%). This sequence change replaces threonine, which is neutral and polar, with arginine, which is basic and polar, at codon 107 of the NRXN1 protein (p.Thr107Arg).